The following is an entry in ClinVar:

NM_024334.3(TMEM43):c.209T>C (p.Leu70Pro)

Gene: TMEM43 (transmembrane protein 43; plus strand). Cytogenetic location: 3p25.1.
Variant type: single nucleotide variant.
Coding change: c.209T>C on transcript NM_024334.3 (MANE Select); coding-DNA position 209, T replaced by C.
Protein change: p.Leu70Pro; replaces leucine 70 with proline.
Molecular consequence: missense variant.
Genome position (GRCh38, 1-based): chr3:14,130,868, T>C. VCF-style: chr3-14130868-T-C. GRCh37 (hg19) VCF-style: chr3-14172368-T-C.
Other names: short protein forms L70P.
Identifiers: ClinVar variation 1331950 (VCV001331950.3), dbSNP rs1695084924, ClinGen allele CA351534572.

ClinVar aggregate classification (germline): Uncertain significance (1 of 4 stars; one submission).

Conditions:
Cardiomyopathy (CMYO). Also called: Cardiomyopathies. Identifiers: Orphanet 167848, MedGen C0878544, MONDO:0004994, HP:0001638. Inheritance: Various modes of inheritance.

Allele frequency attached by ClinVar (database versions not stated): gnomAD exomes below 0.00001.

Submission:

Color Diagnostics, LLC DBA Color Health
Classification: Uncertain significance for Cardiomyopathy. Last evaluated: 2024-03-06. Review status: criteria provided, single submitter. Criteria: ACMG Guidelines, 2015. Collection method: clinical testing. Allele origin: germline.
Comment: This missense variant replaces leucine with proline at codon 70 of the TMEM43 protein. Computational prediction suggests that this variant may not impact protein structure and function (internally defined REVEL score threshold <= 0.5, PMID: 27666373). To our knowledge, functional studies have not been reported for this variant. This variant has not been reported in individuals affected with cardiovascular disorders in the literature. This variant has not been identified in the general population by the Genome Aggregation Database (gnomAD). The available evidence is insufficient to determine the role of this variant in disease conclusively. Therefore, this variant is classified as a Variant of Uncertain Significance.